The following is an entry in ClinVar:

NM_020338.4(ZMIZ1):c.858_875dup (p.Ala293_Thr294insValAlaAlaAlaAlaAla)

Gene: ZMIZ1 (zinc finger MIZ-type containing 1; plus strand). Cytogenetic location: 10q22.3.
Variant type: Duplication.
Coding change: c.858_875dup on transcript NM_020338.4 (MANE Select); coding-DNA positions 858 to 875, 18 bases duplicated (GGCAGTGGCAGCAGCAGC).
Protein change: p.Ala293_Thr294insValAlaAlaAlaAlaAla.
Molecular consequence: inframe insertion.
Genome position (GRCh38, 1-based): chr10:79,292,257-79,292,274, GGCAGTGGCAGCAGCAGC duplicated; duplicating any 18 consecutive bases within chr10:79,292,249-79,292,274 gives the same sequence; the c. name uses the placement nearest the transcript's 3' end. VCF-style (leftmost placement, unchanged base first): chr10-79292248-T-TGCAGCAGCGGCAGTGGCA. GRCh37 (hg19) VCF-style: chr10-81052005-T-TGCAGCAGCGGCAGTGGCA.
Identifiers: ClinVar variation 4880811 (VCV004880811.2).

ClinVar aggregate classification (germline): Likely pathogenic (1 of 4 stars; one submission).

Submission:

Dasa
Classification: Likely pathogenic. Last evaluated: 2025-02-13. Review status: criteria provided, single submitter. Criteria: DASA Assertion Criteria. Collection method: clinical testing. Allele origin: germline.
Comment: NM_020338.4(ZMIZ1):c.858_875dup (p.Val288_Ala293dup) is an in-frame duplication predicted to duplicate amino acids from valine at protein position 288 through alanine at protein position 293 without shifting the reading frame. De novo occurrence has been reported in an individual with ZMIZ1-related disorders. This variant is absent from population databases. Based on the currently available evidence, this variant is classified as likely pathogenic.